The following is an entry in ClinVar:

NM_018075.5(ANO10):c.556T>C (p.Trp186Arg)

Gene: ANO10 (anoctamin 10; minus strand). Cytogenetic location: 3p22.1.
Variant type: single nucleotide variant.
Coding change: c.556T>C on transcript NM_018075.5 (MANE Select); coding-DNA position 556, T replaced by C.
Protein change: p.Trp186Arg; replaces tryptophan 186 with arginine.
Molecular consequence: missense variant.
Genome position (GRCh38, 1-based): chr3:43,580,389, A>G on the plus strand (T>C on the coding strand, the complement: ANO10 is on the minus strand). VCF-style: chr3-43580389-A-G. GRCh37 (hg19) VCF-style: chr3-43621881-A-G.
Other names: c.556T>C, p.Trp186Arg (NM_001204831.3, NM_001204834.3, NM_001346463.2 and 4 more transcripts); c.358T>C, p.Trp120Arg (NM_001204832.3, NM_001346466.2, NM_001346469.2); c.223T>C, p.Trp75Arg (NM_001204833.3); short protein forms W120R, W186R, W75R.
Identifiers: ClinVar variation 3369621 (VCV003369621.1).

ClinVar aggregate classification (germline): Uncertain significance (1 of 4 stars; one submission).

Submission:

GeneDx
Classification: Uncertain significance. Last evaluated: 2024-02-21. Review status: criteria provided, single submitter. Criteria: GeneDx Variant Classification Process June 2021. Collection method: clinical testing. Allele origin: germline. Affected: yes.
Comment: Not observed at significant frequency in large population cohorts (gnomAD); In silico analysis supports that this missense variant has a deleterious effect on protein structure/function; Has not been previously published as pathogenic or benign to our knowledge